The following is an entry in ClinVar:

ClinVar aggregate classification (germline): Pathogenic (1 of 4 stars; one submission).

Conditions:
Hereditary cancer-predisposing syndrome. Also called: Hereditary Cancer Syndrome; Neoplastic Syndromes, Hereditary; Hereditary neoplastic syndrome; Tumor predisposition. Identifiers: Orphanet 140162, MedGen C0027672, MeSH D009386, MONDO:0015356.

Submission:

Ambry Genetics
Classification: Pathogenic for Hereditary cancer-predisposing syndrome. Last evaluated: 2016-01-08. Review status: criteria provided, single submitter. Criteria: Ambry Variant Classification Scheme 2023. Collection method: clinical testing. Allele origin: germline.
Comment: The c.363_367dupGAAGC pathogenic mutation, located in coding exon 2 of the STK11 gene, results from a duplication of GAAGC at nucleotide position 363, causing a translational frameshift with a predicted alternate stop codon. Since frameshifts are typically deleterious in nature, this alteration is interpreted as a disease-causing mutation (ACMG Recommendations for Standards for Interpretation and Reporting of Sequence Variations. Revision 2007. Genet Med. 2008;10:294).

NM_000455.5(STK11):c.363_367dup (p.Gln123fs)

Gene: STK11 (serine/threonine kinase 11; plus strand). Cytogenetic location: 19p13.3.
Variant type: Duplication.
Coding change: c.363_367dup on transcript NM_000455.5 (MANE Select); coding-DNA positions 363 to 367, 5 bases duplicated (GAAGC; older notation c.363_367dupGAAGC).
Protein change: p.Gln123fs; shifts the reading frame from glutamine 123.
Molecular consequence: frameshift variant.
Genome position (GRCh38, 1-based): chr19:1,218,489-1,218,493, GAAGC duplicated. VCF-style (leftmost placement, unchanged base first): chr19-1218488-A-AGAAGC. GRCh37 (hg19) VCF-style: chr19-1218487-A-AGAAGC.
Other names: c.363_367dupGAAGC (NM_000455.4); short protein forms Q123fs.
Identifiers: ClinVar variation 428769 (VCV000428769.5), dbSNP rs1131690933, ClinGen allele CA645369768.